The following is an entry in ClinVar:

NM_003072.5(SMARCA4):c.4662G>T (p.Gln1554His)

Gene: SMARCA4 (SWI/SNF related BAF chromatin remodeling complex subunit ATPase 4; plus strand). Cytogenetic location: 19p13.2.
Variant type: single nucleotide variant.
Coding change: c.4662G>T on transcript NM_003072.5 (MANE Select); coding-DNA position 4662, G replaced by T.
Protein change: p.Gln1554His; replaces glutamine 1554 with histidine.
Molecular consequence: missense variant. On other transcripts: non-coding transcript variant (1).
Genome position (GRCh38, 1-based): chr19:11,059,779, G>T. VCF-style: chr19-11059779-G-T. GRCh37 (hg19) VCF-style: chr19-11170455-G-T.
Other names: c.4662G>T, p.Gln1554His (NM_001128844.3); c.4572G>T, p.Gln1524His (NM_001128845.2); c.4569G>T, p.Gln1523His (NM_001128846.2); c.4563G>T, p.Gln1521His (NM_001128847.4, NM_001374457.1); c.4560G>T, p.Gln1520His (NM_001128848.2); c.4758G>T, p.Gln1586His (NM_001128849.3, NM_001387283.1); c.4659G>T, p.Gln1553His (NM_001411150.1); short protein forms Q1520H, Q1553H, Q1521H, Q1523H, Q1524H, Q1554H, Q1586H.
Identifiers: ClinVar variation 1997849 (VCV001997849.4), dbSNP rs2147113501, ClinGen allele CA404079258.

ClinVar aggregate classification (germline): Uncertain significance (1 of 4 stars; one submission).

Conditions:
Rhabdoid tumor predisposition syndrome 2 (RTPS2). Identifiers: Orphanet 231108, Orphanet 69077, MedGen C2750074, MONDO:0013224, OMIM 613325.

Submission:

Labcorp Genetics (formerly Invitae), Labcorp
Classification: Uncertain significance for Rhabdoid tumor predisposition syndrome 2. Last evaluated: 2025-08-10. Review status: criteria provided, single submitter. Criteria: Invitae Variant Classification Sherloc (09022015). Collection method: clinical testing. Allele origin: germline.
Comment: This sequence change replaces glutamine, which is neutral and polar, with histidine, which is basic and polar, at codon 1586 of the SMARCA4 protein (p.Gln1586His). This variant is not present in population databases (gnomAD no frequency). This variant has not been reported in the literature in individuals affected with SMARCA4-related conditions. ClinVar contains an entry for this variant (Variation ID: 1997849). Invitae Evidence Modeling of protein sequence and biophysical properties (such as structural, functional, and spatial information, amino acid conservation, physicochemical variation, residue mobility, and thermodynamic stability) indicates that this missense variant is expected to disrupt SMARCA4 protein function with a positive predictive value of 95%. In summary, the available evidence is currently insufficient to determine the role of this variant in disease. Therefore, it has been classified as a Variant of Uncertain Significance.